The following is an entry in ClinVar:

ClinVar aggregate classification (germline): Uncertain significance. Review status: criteria provided, multiple submitters, no conflicts (2 of 4 stars). 3 submissions from 3 submitters: Uncertain significance (3). Last evaluated 2024-07-20.

Conditions:
Cardiovascular phenotype. Identifiers: MedGen CN230736.
Arrhythmogenic right ventricular dysplasia 5. Also called: ARRHYTHMOGENIC RIGHT VENTRICULAR DYSPLASIA, FAMILIAL, 5; Arrhythmogenic Right Ventricular Dysplasia/Cardiomyopathy 5. Identifiers: MedGen C1858379, MONDO:0011459, OMIM 604400.

Allele frequency attached by ClinVar (database versions not stated): gnomAD exomes below 0.00001.
gnomAD v4.1: 1 of 1,614,234 alleles (0.000062%); highest among the groups gnomAD compares: Admixed American, 0.0017%; no homozygotes.

Submissions (3):

All of Us Research Program, National Institutes of Health
Classification: Uncertain significance for Arrhythmogenic right ventricular dysplasia 5. Last evaluated: 2024-07-20. Review status: criteria provided, single submitter. Criteria: ACMG Guidelines, 2015. Collection method: clinical testing. Allele origin: germline. Inheritance: Autosomal dominant inheritance. Observed: 1 variant allele, 1 heterozygote.
Comment: This missense variant replaces threonine with isoleucine at codon 360 of the TMEM43 protein. Computational prediction suggests that this variant may not impact protein structure and function (internally defined REVEL score threshold <= 0.5, PMID: 27666373). To our knowledge, functional studies have not been reported for this variant. This variant has not been reported in individuals affected with TMEM43-related disorders in the literature. This variant has been identified in 1/251390 chromosomes in the general population by the Genome Aggregation Database (gnomAD). The available evidence is insufficient to determine the role of this variant in disease conclusively. Therefore, this variant is classified as a Variant of Uncertain Significance.

This study involves interpretation of variants in research participants for the purpose of population health screening. Participant phenotype was not available at the time of variant classification. Additional details can be found in publication PMID: 35346344, PMCID: PMC8962531

Ambry Genetics
Classification: Uncertain significance for Cardiovascular phenotype. Last evaluated: 2021-09-20. Review status: criteria provided, single submitter. Criteria: Ambry Variant Classification Scheme 2023. Collection method: clinical testing. Allele origin: germline.
Comment: The p.T360I variant (also known as c.1079C>T), located in coding exon 12 of the TMEM43 gene, results from a C to T substitution at nucleotide position 1079. The threonine at codon 360 is replaced by isoleucine, an amino acid with similar properties. This amino acid position is conserved. In addition, this alteration is predicted to be tolerated by in silico analysis. Since supporting evidence is limited at this time, the clinical significance of this alteration remains unclear.

Labcorp Genetics (formerly Invitae), Labcorp
Classification: Uncertain significance for Arrhythmogenic right ventricular dysplasia 5. Last evaluated: 2021-04-23. Review status: criteria provided, single submitter. Criteria: Invitae Variant Classification Sherloc (09022015). Collection method: clinical testing. Allele origin: germline.
Comment: This sequence change replaces threonine with isoleucine at codon 360 of the TMEM43 protein (p.Thr360Ile). The threonine residue is moderately conserved and there is a moderate physicochemical difference between threonine and isoleucine. This variant is not present in population databases (ExAC no frequency). This variant has not been reported in the literature in individuals with TMEM43-related conditions. Algorithms developed to predict the effect of missense changes on protein structure and function are either unavailable or do not agree on the potential impact of this missense change (SIFT: "Deleterious"; PolyPhen-2: "Possibly Damaging"; Align-GVGD: "Class C0"). In summary, the available evidence is currently insufficient to determine the role of this variant in disease. Therefore, it has been classified as a Variant of Uncertain Significance.

NM_024334.3(TMEM43):c.1079C>T (p.Thr360Ile)

Gene: TMEM43 (transmembrane protein 43; plus strand). Cytogenetic location: 3p25.1.
Variant type: single nucleotide variant.
Coding change: c.1079C>T on transcript NM_024334.3 (MANE Select); coding-DNA position 1079, C replaced by T.
Protein change: p.Thr360Ile; replaces threonine 360 with isoleucine.
Molecular consequence: missense variant.
Genome position (GRCh38, 1-based): chr3:14,141,671, C>T. VCF-style: chr3-14141671-C-T. GRCh37 (hg19) VCF-style: chr3-14183171-C-T.
Other names: short protein forms T360I.
Identifiers: ClinVar variation 1500260 (VCV001500260.11), dbSNP rs1181935816, ClinGen allele CA351536500.